The following is an entry in ClinVar:

NM_001184900.3(CARD8):c.543-12G>A

Gene: CARD8 (caspase recruitment domain family member 8; minus strand). Cytogenetic location: 19q13.33.
Variant type: single nucleotide variant.
Coding change: c.543-12G>A on transcript NM_001184900.3 (MANE Select); 12 bases into the intron before coding-DNA position 543, G replaced by A.
Molecular consequence: intron variant.
Genome position (GRCh38, 1-based): chr19:48,231,018, C>T on the plus strand (G>A on the coding strand, the complement: CARD8 is on the minus strand). VCF-style: chr19-48231018-C-T. GRCh37 (hg19) VCF-style: chr19-48734275-C-T.
Other names: c.228-12G>A (NM_001351787.2, NM_001351791.2, NM_001351792.2 and 2 more transcripts); c.393-12G>A (NM_001351788.2, NM_001351789.2, NM_014959.5 and 2 more transcripts); c.207-12G>A (NM_001351786.2); c.300-12G>A (NM_001351790.2); c.543-12G>A (NM_001184902.2, NM_001351782.2, NM_001184903.1).
Identifiers: ClinVar variation 1417751 (VCV001417751.8), dbSNP rs1401972052, ClinGen allele CA633886178.

ClinVar aggregate classification (germline): Uncertain significance (1 of 4 stars; one submission).

Allele frequency attached by ClinVar (database versions not stated): gnomAD exomes below 0.00001; gnomAD 0.00001.
gnomAD v4.1: 2 of 1,605,732 alleles (0.00012%); highest among the groups gnomAD compares: South Asian, 0.0022%; no homozygotes.

Submission:

Labcorp Genetics (formerly Invitae), Labcorp
Classification: Uncertain significance. Last evaluated: 2025-04-12. Review status: criteria provided, single submitter. Criteria: Invitae Variant Classification Sherloc (09022015). Collection method: clinical testing. Allele origin: germline.
Comment: This sequence change falls in intron 6 of the CARD8 gene. It does not directly change the encoded amino acid sequence of the CARD8 protein. This variant is present in population databases (no rsID available, gnomAD 0.003%). This variant has not been reported in the literature in individuals affected with CARD8-related conditions. ClinVar contains an entry for this variant (Variation ID: 1417751). Algorithms developed to predict the effect of sequence changes on RNA splicing suggest that this variant may disrupt the consensus splice site. In summary, the available evidence is currently insufficient to determine the role of this variant in disease. Therefore, it has been classified as a Variant of Uncertain Significance.